The following is an entry in ClinVar:

NM_001193313.2(SUGCT):c.152+1G>A

Gene: SUGCT (succinyl-CoA:glutarate-CoA transferase; plus strand). Cytogenetic location: 7p14.1.
Variant type: single nucleotide variant.
Coding change: c.152+1G>A on transcript NM_001193313.2 (MANE Select); the canonical splice donor site of the intron after coding-DNA position 152, G replaced by A.
Molecular consequence: splice donor variant.
Genome position (GRCh38, 1-based): chr7:40,180,999, G>A. VCF-style: chr7-40180999-G-A. GRCh37 (hg19) VCF-style: chr7-40220598-G-A.
Other names: c.152+1G>A (NM_001193311.2, NM_001193312.2, NM_024728.3).
Identifiers: ClinVar variation 4850425 (VCV004850425.1).
Genomic context (GRCh38, chr7:40,180,999, plus strand): 5'-TTTGCCAGATATGAACAATATAAAGCCATTGGAAGGGGTAAAAATTCTGGATCTAACAAG[G>A]TTTGTATTGGTTTATCTACATTTTGGTGATTGGGTTTTTCCCTTTCCTCAAAAACTTTTA-3'

ClinVar aggregate classification (germline): Likely pathogenic (1 of 4 stars; one submission).

Conditions:
Glutaryl-CoA oxidase deficiency. Also called: Glutaric acidemia type 3; GLUTARIC ACIDURIA III; GA III. Identifiers: Orphanet 35706, MedGen C0342873, MONDO:0009283, OMIM 231690.

gnomAD v4.1: 221 of 1,601,464 alleles (0.014%); highest among the groups gnomAD compares: Non-Finnish European, 0.018%; no homozygotes.

Submission:

First Genomix Gene Laboratory, Genetic Diagnostics Department
Classification: Likely pathogenic for Glutaryl-CoA oxidase deficiency. Last evaluated: 2025-08-21. Review status: criteria provided, single submitter. Criteria: ACMG Guidelines, 2015. Collection method: clinical testing. Allele origin: germline. Inheritance: Autosomal recessive inheritance. Affected: no. Observed: 1 variant allele.